The following is an entry in ClinVar:

ClinVar aggregate classification (germline): Uncertain significance (1 of 4 stars; one submission).

Conditions:
Intellectual developmental disorder, X-linked 1. Also called: Atkin Flaitz Patil Smith syndrome; Intellectual disability, X-linked 1; MENTAL RETARDATION, X-LINKED 18; MENTAL RETARDATION, X-LINKED 78. Identifiers: Orphanet 777, MedGen C2931498, MONDO:0010656, OMIM 309530.

Submission:

Labcorp Genetics (formerly Invitae), Labcorp
Classification: Uncertain significance for Intellectual developmental disorder, X-linked 1. Last evaluated: 2023-01-31. Review status: criteria provided, single submitter. Criteria: Invitae Variant Classification Sherloc (09022015). Collection method: clinical testing. Allele origin: germline.
Comment: This variant is not present in population databases (gnomAD no frequency). In summary, the available evidence is currently insufficient to determine the role of this variant in disease. Therefore, it has been classified as a Variant of Uncertain Significance. Advanced modeling of protein sequence and biophysical properties (such as structural, functional, and spatial information, amino acid conservation, physicochemical variation, residue mobility, and thermodynamic stability) performed at Invitae indicates that this missense variant is not expected to disrupt IQSEC2 protein function. This variant has not been reported in the literature in individuals affected with IQSEC2-related conditions. This sequence change replaces isoleucine, which is neutral and non-polar, with valine, which is neutral and non-polar, at codon 1389 of the IQSEC2 protein (p.Ile1389Val).

NM_001111125.3(IQSEC2):c.4165A>G (p.Ile1389Val)

Gene: IQSEC2 (IQ motif and Sec7 domain ArfGEF 2; minus strand). Cytogenetic location: Xp11.22.
Variant type: single nucleotide variant.
Coding change: c.4165A>G on transcript NM_001111125.3 (MANE Select); coding-DNA position 4165, A replaced by G.
Protein change: p.Ile1389Val; replaces isoleucine 1389 with valine.
Molecular consequence: missense variant. On other transcripts: 3 prime UTR variant (2).
Genome position (GRCh38, 1-based): chrX:53,234,521, T>C on the plus strand (A>G on the coding strand, the complement: IQSEC2 is on the minus strand). VCF-style: chrX-53234521-T-C. GRCh37 (hg19) VCF-style: chrX-53263703-T-C.
Other names: c.*650A>G (NM_001410736.1, NM_015075.2); short protein forms I1389V.
Identifiers: ClinVar variation 2797901 (VCV002797901.3), dbSNP rs2519669070, ClinGen allele CA413139268.